The following is an entry in ClinVar:

NM_000441.2(SLC26A4):c.888C>G (p.Ile296Met)

Gene: SLC26A4 (solute carrier family 26 member 4; plus strand). Cytogenetic location: 7q22.3.
Variant type: single nucleotide variant.
Coding change: c.888C>G on transcript NM_000441.2 (MANE Select); coding-DNA position 888, C replaced by G.
Protein change: p.Ile296Met; replaces isoleucine 296 with methionine.
Molecular consequence: missense variant.
Genome position (GRCh38, 1-based): chr7:107,683,324, C>G. VCF-style: chr7-107683324-C-G. GRCh37 (hg19) VCF-style: chr7-107323769-C-G.
Other names: short protein forms I296M.
Identifiers: ClinVar variation 3383573 (VCV003383573.1).
Genomic context (GRCh38, chr7:107,683,324, plus strand): 5'-GCTCACCATTGTCGTCTGTATGGCAGTTAAGGAATTAAATGATCGGTTTAGACACAAAAT[C>G]CCAGTCCCTATTCCTATAGAAGTAATTGTGGTAAGTAGAATATGTAGTTAGAAAGTTCAG-3'
Protein context (NP_000432.1, residues 286-306): KELNDRFRHK[Ile296Met]PVPIPIEVIV

ClinVar aggregate classification (germline): Uncertain significance (1 of 4 stars; one submission).

Submission:

GeneDx
Classification: Uncertain significance. Last evaluated: 2024-05-28. Review status: criteria provided, single submitter. Criteria: GeneDx Variant Classification Process June 2021. Collection method: clinical testing. Allele origin: germline. Affected: yes.
Comment: Not observed at significant frequency in large population cohorts (gnomAD); In silico analysis indicates that this missense variant does not alter protein structure/function; Has not been previously published as pathogenic or benign to our knowledge